The following is an entry in ClinVar:

ClinVar aggregate classification (germline): Uncertain significance (1 of 4 stars; one submission).

Conditions:
Progressive sclerosing poliodystrophy (MTDPS4A). Also called: Mitochondrial DNA depletion syndrome 4A (Alpers type); ALPERS PROGRESSIVE INFANTILE POLIODYSTROPHY; NEURONAL DEGENERATION OF CHILDHOOD WITH LIVER DISEASE, PROGRESSIVE; Mitochondrial DNA Depletion Syndrome 4A; Alpers-Huttenlocher Syndrome (AHS); Alpers Syndrome. Identifiers: Orphanet 726, MedGen C0205710, MONDO:0008758, OMIM 203700.

Allele frequency attached by ClinVar (database versions not stated): gnomAD exomes below 0.00001; TOPMed below 0.00001; ExAC 0.00001.
gnomAD v4.1: 6 of 1,519,678 alleles (0.00039%); highest among the groups gnomAD compares: South Asian, 0.0026%; no homozygotes.

Submission:

Labcorp Genetics (formerly Invitae), Labcorp
Classification: Uncertain significance for Progressive sclerosing poliodystrophy. Last evaluated: 2024-11-15. Review status: criteria provided, single submitter. Criteria: Invitae Variant Classification Sherloc (09022015). Collection method: clinical testing. Allele origin: germline.
Comment: This sequence change replaces serine, which is neutral and polar, with phenylalanine, which is neutral and non-polar, at codon 216 of the POLG protein (p.Ser216Phe). The frequency data for this variant in the population databases is considered unreliable, as metrics indicate poor data quality at this position in the gnomAD database. This variant has not been reported in the literature in individuals affected with POLG-related conditions. ClinVar contains an entry for this variant (Variation ID: 1491241). Invitae Evidence Modeling of protein sequence and biophysical properties (such as structural, functional, and spatial information, amino acid conservation, physicochemical variation, residue mobility, and thermodynamic stability) indicates that this missense variant is expected to disrupt POLG protein function with a positive predictive value of 95%. In summary, the available evidence is currently insufficient to determine the role of this variant in disease. Therefore, it has been classified as a Variant of Uncertain Significance.

NM_002693.3(POLG):c.647C>T (p.Ser216Phe)

Genes: POLG (DNA polymerase gamma, catalytic subunit; minus strand), POLGARF (POLG alternative reading frame; minus strand). Cytogenetic location: 15q26.1.
Variant type: single nucleotide variant.
Coding change: c.647C>T on transcript NM_002693.3 (MANE Select); coding-DNA position 647, C replaced by T.
Protein change: p.Ser216Phe; replaces serine 216 with phenylalanine.
Molecular consequence: missense variant.
Genome position (GRCh38, 1-based): chr15:89,333,108, G>A on the plus strand (C>T on the coding strand, the complement: POLG is on the minus strand). VCF-style: chr15-89333108-G-A. GRCh37 (hg19) VCF-style: chr15-89876339-G-A.
Other names: c.647C>T, p.Ser216Phe (NM_001126131.2); short protein forms S216F.
Identifiers: ClinVar variation 1491241 (VCV001491241.7), dbSNP rs763592738, ClinGen allele CA7725085.